The following is an entry in ClinVar:

ClinVar aggregate classification (germline): Benign (1 of 4 stars; one submission).

Allele frequency attached by ClinVar (database versions not stated): 1000 Genomes Project 30x 0.27608; 1000 Genomes Project 0.28275; TOPMed 0.28866; gnomAD 0.29182 and 0.29415; gnomAD exomes 0.33865.
gnomAD v4.1: 180,792 of 553,396 alleles (33%); highest among the groups gnomAD compares: Non-Finnish European, 37%; 31,063 homozygotes.

Submission:

GeneDx
Classification: Benign. Last evaluated: 2018-06-14. Review status: criteria provided, single submitter. Criteria: GeneDx Variant Classification (06012015). Collection method: clinical testing. Allele origin: germline. Affected: yes.
Comment: This variant is considered likely benign or benign based on one or more of the following criteria: it is a conservative change, it occurs at a poorly conserved position in the protein, it is predicted to be benign by multiple in silico algorithms, and/or has population frequency not consistent with disease.

NM_001127222.2(CACNA1A):c.4090-207T>G

Genes: CACNA1A (calcium voltage-gated channel subunit alpha1 A; minus strand), LOC126862864 (MED14-independent group 3 enhancer GRCh37_chr19:13371552-13372751; plus strand). Cytogenetic location: 19p13.13.
Variant type: single nucleotide variant.
Coding change: c.4090-207T>G on transcript NM_001127222.2 (MANE Select); 207 bases into the intron before coding-DNA position 4090, T replaced by G.
Molecular consequence: intron variant.
Genome position (GRCh38, 1-based): chr19:13,261,817, A>C on the plus strand (T>G on the coding strand, the complement: CACNA1A is on the minus strand). VCF-style: chr19-13261817-A-C. GRCh37 (hg19) VCF-style: chr19-13372631-A-C.
Other names: c.4093-207T>G (NM_001127221.2, NM_001174080.2); c.4102-207T>G (NM_000068.4, NM_023035.3).
Identifiers: ClinVar variation 678176 (VCV000678176.1), dbSNP rs2074880, ClinGen allele CA14635996.